The following is an entry in ClinVar:

ClinVar aggregate classification (germline): Uncertain significance (1 of 4 stars; one submission).

gnomAD v4.1: 2 of 1,613,122 alleles (0.00012%); highest among the groups gnomAD compares: Non-Finnish European, 0.00017%; no homozygotes.

Submission:

Ambry Genetics
Classification: Uncertain significance. Last evaluated: 2024-04-09. Review status: criteria provided, single submitter. Criteria: Ambry Variant Classification Scheme 2023. Collection method: clinical testing. Allele origin: germline.
Comment: The p.Y366C variant (also known as c.1097A>G), located in coding exon 11 of the PRKDC gene, results from an A to G substitution at nucleotide position 1097. The tyrosine at codon 366 is replaced by cysteine, an amino acid with highly dissimilar properties. This amino acid position is conserved. In addition, this alteration is predicted to be deleterious by in silico analysis. Based on the available evidence, the clinical significance of this variant remains unclear.

NM_006904.7(PRKDC):c.1097A>G (p.Tyr366Cys)

Gene: PRKDC (protein kinase, DNA-activated, catalytic subunit; minus strand). Cytogenetic location: 8q11.21.
Variant type: single nucleotide variant.
Coding change: c.1097A>G on transcript NM_006904.7 (MANE Select); coding-DNA position 1097, A replaced by G.
Protein change: p.Tyr366Cys; replaces tyrosine 366 with cysteine.
Molecular consequence: missense variant.
Genome position (GRCh38, 1-based): chr8:47,939,567, T>C on the plus strand (A>G on the coding strand, the complement: PRKDC is on the minus strand). VCF-style: chr8-47939567-T-C. GRCh37 (hg19) VCF-style: chr8-48852127-T-C.
Other names: c.1097A>G, p.Tyr366Cys (NM_001081640.2); short protein forms Y366C.
Identifiers: ClinVar variation 3310042 (VCV003310042.1).